The following is an entry in ClinVar:

NM_000334.4(SCN4A):c.4175T>C (p.Phe1392Ser)

Genes: SCN4A (sodium voltage-gated channel alpha subunit 4; minus strand), GH-LCR (growth hormone locus control region; plus strand). Cytogenetic location: 17q23.3.
Variant type: single nucleotide variant.
Coding change: c.4175T>C on transcript NM_000334.4 (MANE Select); coding-DNA position 4175, T replaced by C.
Protein change: p.Phe1392Ser; replaces phenylalanine 1392 with serine.
Molecular consequence: missense variant.
Genome position (GRCh38, 1-based): chr17:63,942,939, A>G on the plus strand (T>C on the coding strand, the complement: SCN4A is on the minus strand). VCF-style: chr17-63942939-A-G. GRCh37 (hg19) VCF-style: chr17-62020299-A-G.
Other names: short protein forms F1392S.
Identifiers: ClinVar variation 1028201 (VCV001028201.1), dbSNP rs1908590856, ClinGen allele CA400616560.

ClinVar aggregate classification (germline): Uncertain significance (1 of 4 stars; one submission).

Conditions:
Hyperkalemic periodic paralysis. Also called: Familial hyperkalemic periodic paralysis; Gamstorp disease. Identifiers: Orphanet 682, MedGen C0238357, MONDO:0008224, OMIM 170500, HP:0007215.

Submission:

Baylor Genetics
Classification: Uncertain significance for Hyperkalemic periodic paralysis. Last evaluated: 2019-12-06. Review status: criteria provided, single submitter. Criteria: ACMG Guidelines, 2015. Collection method: clinical testing. Allele origin: unknown. Affected: yes.
Comment: This variant was determined to be of uncertain significance according to ACMG Guidelines, 2015 [PMID:25741868].